The following is an entry in ClinVar:

NM_138295.5(PKD1L1):c.2675+4C>T

Gene: PKD1L1 (polycystin 1 like 1, transient receptor potential channel interacting; minus strand). Cytogenetic location: 7p12.3.
Variant type: single nucleotide variant.
Coding change: c.2675+4C>T on transcript NM_138295.5 (MANE Select); 4 bases into the intron after coding-DNA position 2675, C replaced by T.
Molecular consequence: intron variant.
Genome position (GRCh38, 1-based): chr7:47,890,538, G>A on the plus strand (C>T on the coding strand, the complement: PKD1L1 is on the minus strand). VCF-style: chr7-47890538-G-A. GRCh37 (hg19) VCF-style: chr7-47930136-G-A.
Identifiers: ClinVar variation 777629 (VCV000777629.38), dbSNP rs143005953, ClinGen allele CA4253663.

ClinVar aggregate classification (germline): Benign/Likely benign. Review status: criteria provided, multiple submitters, no conflicts (2 of 4 stars). 7 submissions from 7 submitters: Benign (1); Likely benign (3). 3 of the submissions do not count toward it. Last evaluated 2026-09-01.

Conditions:
Heterotaxy, visceral, 8, autosomal (HTX8). Identifiers: MedGen C4310668, MONDO:0014967, OMIM 617205.
PKD1L1-related disorder. Also called: PKD1L1-related condition.

Allele frequency attached by ClinVar (database versions not stated): 1000 Genomes Project 0.00160; 1000 Genomes Project 30x 0.00187; gnomAD exomes 0.00600 and 0.00729; ExAC 0.00620; TOPMed 0.00625; gnomAD 0.00636 and 0.00651; ESP Exome Variant Server 0.00677.
gnomAD v4.1: 11,623 of 1,613,572 alleles (0.72%); highest among the groups gnomAD compares: Middle Eastern, 1.2%; 46 homozygotes.

Submissions (7):

CeGaT Center for Human Genetics Tuebingen
Classification: Benign. Last evaluated: 2026-09-01. Review status: criteria provided, single submitter. Criteria: CeGaT Center For Human Genetics Tuebingen Variant Classification Criteria Version 2. Collection method: clinical testing. Allele origin: germline. Affected: yes. Observed: 16 variant alleles.
Comment: PKD1L1: BP4, BS1, BS2

Labcorp Genetics (formerly Invitae), Labcorp
Classification: Likely benign. Last evaluated: 2026-02-01. Review status: criteria provided, single submitter. Criteria: Invitae Variant Classification Sherloc (09022015). Collection method: clinical testing. Allele origin: germline.

Dubai Health Genomic Medicine Center, Dubai Health
Classification: Likely benign for Heterotaxy, visceral, 8, autosomal. Last evaluated: 2020-03-19. Review status: criteria provided, single submitter. Criteria: ACMG Guidelines, 2015. Collection method: clinical testing. Allele origin: germline. Affected: yes.

Breakthrough Genomics
Classification: Likely benign. Review status: criteria provided, single submitter. Criteria: ACMG Guidelines, 2015. Collection method: not provided. Allele origin: germline. Inheritance: Autosomal recessive inheritance. Affected: yes.

PreventionGenetics, part of Exact Sciences
Classification: Benign for PKD1L1-related condition. Last evaluated: 2019-06-17. Review status: no assertion criteria provided. Collection method: clinical testing. Allele origin: germline. Not counted in ClinVar's aggregate classification.
Comment: This variant is classified as benign based on ACMG/AMP sequence variant interpretation guidelines (Richards et al. 2015 PMID: 25741868, with internal and published modifications).

Genome Diagnostics Laboratory, University Medical Center Utrecht
Classification: Benign. Review status: no assertion criteria provided. Collection method: clinical testing. Allele origin: germline. Affected: yes. Study: VKGL Data-share Consensus. Not counted in ClinVar's aggregate classification.

Joint Genome Diagnostic Labs from Nijmegen and Maastricht, Radboudumc and MUMC+
Classification: Likely benign. Review status: no assertion criteria provided. Collection method: clinical testing. Allele origin: germline. Affected: yes. Study: VKGL Data-share Consensus. Not counted in ClinVar's aggregate classification.